The following is an entry in ClinVar:

ClinVar aggregate classification (germline): Uncertain significance (1 of 4 stars; one submission).

Conditions:
Intellectual developmental disorder, autosomal dominant 1. Also called: MBD5 Haploinsufficiency; Intellectual disability, autosomal dominant 1. Identifiers: Orphanet 228402, MedGen C1969562, MONDO:0007974, OMIM 156200.

Submission:

Labcorp Genetics (formerly Invitae), Labcorp
Classification: Uncertain significance for Intellectual developmental disorder, autosomal dominant 1. Last evaluated: 2024-02-23. Review status: criteria provided, single submitter. Criteria: Invitae Variant Classification Sherloc (09022015). Collection method: clinical testing. Allele origin: germline.
Comment: This sequence change replaces lysine, which is basic and polar, with arginine, which is basic and polar, at codon 367 of the MBD5 protein (p.Lys367Arg). This variant is not present in population databases (gnomAD no frequency). This variant has not been reported in the literature in individuals affected with MBD5-related conditions. Advanced modeling of protein sequence and biophysical properties (such as structural, functional, and spatial information, amino acid conservation, physicochemical variation, residue mobility, and thermodynamic stability) performed at Invitae indicates that this missense variant is not expected to disrupt MBD5 protein function with a negative predictive value of 80%. In summary, the available evidence is currently insufficient to determine the role of this variant in disease. Therefore, it has been classified as a Variant of Uncertain Significance.

NM_001378120.1(MBD5):c.1100A>G (p.Lys367Arg)

Gene: MBD5 (methyl-CpG binding domain protein 5; plus strand). Cytogenetic location: 2q23.1.
Variant type: single nucleotide variant.
Coding change: c.1100A>G on transcript NM_001378120.1 (MANE Select); coding-DNA position 1100, A replaced by G.
Protein change: p.Lys367Arg; replaces lysine 367 with arginine.
Molecular consequence: missense variant.
Genome position (GRCh38, 1-based): chr2:148,469,043, A>G. VCF-style: chr2-148469043-A-G. GRCh37 (hg19) VCF-style: chr2-149226612-A-G.
Other names: c.1100A>G, p.Lys367Arg (NM_018328.5); short protein forms K367R.
Identifiers: ClinVar variation 2765259 (VCV002765259.3), dbSNP rs2469861204, ClinGen allele CA348718376.
Genomic context (GRCh38, chr2:148,469,043, plus strand): 5'-AGAAAAAGCCATTAACATCTGAGAAAGATCCACTTGGCATTCTTGACCCTATTCCTAGTA[A>G]ACCAGTGAATCAGAACCCTGTTATCATTAATCCAACCAGTTTCCATTCAAATGTCCACTC-3'
Protein context (NP_001365049.1, residues 357-377): PLGILDPIPS[Lys367Arg]PVNQNPVIIN